The following is an entry in ClinVar:

NM_000360.4(TH):c.127G>A (p.Glu43Lys)

Gene: TH (tyrosine hydroxylase; minus strand). Cytogenetic location: 11p15.5.
Variant type: single nucleotide variant.
Coding change: c.127G>A on transcript NM_000360.4 (MANE Select); coding-DNA position 127, G replaced by A.
Protein change: p.Glu43Lys; replaces glutamic acid 43 with lysine.
Molecular consequence: missense variant.
Genome position (GRCh38, 1-based): chr11:2,169,835, C>T on the plus strand (G>A on the coding strand, the complement: TH is on the minus strand). VCF-style: chr11-2169835-C-T. GRCh37 (hg19) VCF-style: chr11-2191065-C-T.
Other names: c.220G>A, p.Glu74Lys (NM_199292.3); c.208G>A, p.Glu70Lys (NM_199293.3); short protein forms E70K, E43K, E74K.
Identifiers: ClinVar variation 968339 (VCV000968339.7), dbSNP rs772029518, ClinGen allele CA5818787.
Genomic context (GRCh38, chr11:2,169,835, plus strand): 5'-CCGAGGGGACTGCAGCGGCCGCTGCTGCCACCGCCGCCTCCCGCTCCTTGCGGGCGTCCT[C>T]GATGAGGCTCTGCCTGCGCCCAATGAACCGCGGGGACTGTGGGGACAAGGGGCACCCATG-3'
Protein context (NP_000351.2, residues 33-53): RFIGRRQSLI[Glu43Lys]DARKEREAAV

ClinVar aggregate classification (germline): Uncertain significance. Review status: criteria provided, multiple submitters, no conflicts (2 of 4 stars). 3 submissions from 3 submitters: Uncertain significance (2). 1 of the submissions does not count toward it. Last evaluated 2024-10-29.

Conditions:
TH-deficient dopa-responsive dystonia. Also called: DYT-TH; Tyrosine Hydroxylase-Deficient Dopa-Responsive Dystonia; Segawa syndrome, autosomal recessive. Identifiers: Orphanet 101150, MedGen C2673535, MONDO:0011551, OMIM 605407.
Inborn genetic diseases. Identifiers: MedGen C0950123, MeSH D030342.

Allele frequency attached by ClinVar (database versions not stated): ExAC 0.00005; gnomAD exomes 0.00006 and 0.00012; gnomAD 0.00008 and 0.00010; TOPMed 0.00014.

Submissions (3):

Ambry Genetics
Classification: Uncertain significance for Inborn genetic diseases. Last evaluated: 2024-10-29. Review status: criteria provided, single submitter. Criteria: Ambry Variant Classification Scheme 2023. Collection method: clinical testing. Allele origin: germline.

Labcorp Genetics (formerly Invitae), Labcorp
Classification: Uncertain significance for TH-deficient dopa-responsive dystonia. Last evaluated: 2021-12-03. Review status: criteria provided, single submitter. Criteria: Invitae Variant Classification Sherloc (09022015). Collection method: clinical testing. Allele origin: germline.
Comment: This sequence change replaces glutamic acid, which is acidic and polar, with lysine, which is basic and polar, at codon 74 of the TH protein (p.Glu74Lys). This variant is present in population databases (rs772029518, gnomAD 0.02%). This variant has not been reported in the literature in individuals affected with TH-related conditions. ClinVar contains an entry for this variant (Variation ID: 968339). Advanced modeling of protein sequence and biophysical properties (such as structural, functional, and spatial information, amino acid conservation, physicochemical variation, residue mobility, and thermodynamic stability) performed at Invitae indicates that this missense variant is not expected to disrupt TH protein function. In summary, the available evidence is currently insufficient to determine the role of this variant in disease. Therefore, it has been classified as a Variant of Uncertain Significance.

Natera, Inc.
Classification: Uncertain significance for Autosomal recessive Segawa syndrome. Last evaluated: 2020-04-12. Review status: no assertion criteria provided. Collection method: clinical testing. Allele origin: germline. Not counted in ClinVar's aggregate classification.